The following is an entry in ClinVar:

ClinVar aggregate classification (germline): Conflicting classifications of pathogenicity. Review status: criteria provided, conflicting classifications (1 of 4 stars). 2 submissions from 2 submitters: Uncertain significance (1); Likely benign (1). Last evaluated 2022-08-02.

Conditions:
Inborn genetic diseases. Identifiers: MedGen C0950123, MeSH D030342.
KBG syndrome (KBGS). Also called: ANKRD11-Related KBG Syndrome. Identifiers: Orphanet 2332, MedGen C0220687, MONDO:0007846, OMIM 148050.

Allele frequency attached by ClinVar (database versions not stated): TOPMed 0.00001; gnomAD 0.00002; gnomAD exomes 0.00004.

Submissions (2):

Labcorp Genetics (formerly Invitae), Labcorp
Classification: Uncertain significance for KBG syndrome. Last evaluated: 2022-08-02. Review status: criteria provided, single submitter. Criteria: Invitae Variant Classification Sherloc (09022015). Collection method: clinical testing. Allele origin: germline.
Comment: This sequence change replaces methionine, which is neutral and non-polar, with valine, which is neutral and non-polar, at codon 1825 of the ANKRD11 protein (p.Met1825Val). This variant is present in population databases (rs745531507, gnomAD 0.004%). This variant has not been reported in the literature in individuals affected with ANKRD11-related conditions. Advanced modeling of protein sequence and biophysical properties (such as structural, functional, and spatial information, amino acid conservation, physicochemical variation, residue mobility, and thermodynamic stability) performed at Invitae indicates that this missense variant is not expected to disrupt ANKRD11 protein function. In summary, the available evidence is currently insufficient to determine the role of this variant in disease. Therefore, it has been classified as a Variant of Uncertain Significance.

Ambry Genetics
Classification: Likely benign for Inborn genetic diseases. Last evaluated: 2020-03-09. Review status: criteria provided, single submitter. Criteria: Ambry Variant Classification Scheme 2023. Collection method: clinical testing. Allele origin: germline.

NM_013275.6(ANKRD11):c.5473A>G (p.Met1825Val)

Gene: ANKRD11 (ankyrin repeat domain 11; minus strand). Cytogenetic location: 16q24.3.
Variant type: single nucleotide variant.
Coding change: c.5473A>G on transcript NM_013275.6 (MANE Select); coding-DNA position 5473, A replaced by G.
Protein change: p.Met1825Val; replaces methionine 1825 with valine.
Molecular consequence: missense variant.
Genome position (GRCh38, 1-based): chr16:89,281,069, T>C on the plus strand (A>G on the coding strand, the complement: ANKRD11 is on the minus strand). VCF-style: chr16-89281069-T-C. GRCh37 (hg19) VCF-style: chr16-89347477-T-C.
Other names: c.5473A>G, p.Met1825Val (NM_001256182.2, NM_001256183.2); short protein forms M1825V.
Identifiers: ClinVar variation 1747752 (VCV001747752.8), dbSNP rs745531507, ClinGen allele CA286514027.